The following is an entry in ClinVar:

NM_002500.5(NEUROD1):c.129C>A (p.Leu43=)

Gene: NEUROD1 (neuronal differentiation 1; minus strand). Cytogenetic location: 2q31.3.
Variant type: single nucleotide variant.
Coding change: c.129C>A on transcript NM_002500.5 (MANE Select); coding-DNA position 129, C replaced by A.
Protein change: p.Leu43=; no amino-acid change (leucine 43 retained).
Molecular consequence: synonymous variant.
Genome position (GRCh38, 1-based): chr2:181,678,732, G>T on the plus strand (C>A on the coding strand, the complement: NEUROD1 is on the minus strand). VCF-style: chr2-181678732-G-T. GRCh37 (hg19) VCF-style: chr2-182543459-G-T.
Identifiers: ClinVar variation 333039 (VCV000333039.20), dbSNP rs116321775, ClinGen allele CA2011182.

ClinVar aggregate classification (germline): Benign/Likely benign. Review status: criteria provided, multiple submitters, no conflicts (2 of 4 stars). 7 submissions from 7 submitters: Benign (4); Likely benign (1). 2 of the submissions do not count toward it. Last evaluated 2026-02-01.

Conditions:
Maturity-onset diabetes of the young type 6 (MODY6). Identifiers: Orphanet 552, MedGen C1853371, MONDO:0011668, OMIM 606394.
Type 2 diabetes mellitus. Also called: Type II diabetes mellitus. Identifiers: MedGen C0011860, MeSH D003924, MONDO:0005148, OMIM 125853, HP:0005978.

Allele frequency attached by ClinVar (database versions not stated): TOPMed 0.00195; 1000 Genomes Project 0.00240; 1000 Genomes Project 30x 0.00250; ESP Exome Variant Server 0.00254.
gnomAD v4.1: 583 of 1,612,006 alleles (0.036%); highest among the groups gnomAD compares: African/African-American, 0.65%; 3 homozygotes.

Submissions (7):

Labcorp Genetics (formerly Invitae), Labcorp
Classification: Benign. Last evaluated: 2026-02-01. Review status: criteria provided, single submitter. Criteria: Invitae Variant Classification Sherloc (09022015). Collection method: clinical testing. Allele origin: germline.

Fulgent Genetics
Classification: Likely benign for Type 2 diabetes mellitus; Maturity-onset diabetes of the young type 6. Last evaluated: 2021-08-05. Review status: criteria provided, single submitter. Criteria: ACMG Guidelines, 2015. Collection method: clinical testing. Allele origin: unknown.

Women's Health and Genetics/Laboratory Corporation of America, LabCorp
Classification: Benign. Last evaluated: 2021-07-08. Review status: criteria provided, single submitter. Criteria: LabCorp Variant Classification Summary - May 2015. Collection method: clinical testing. Allele origin: germline.

Illumina Laboratory Services, Illumina
Classification: Benign for Maturity-onset diabetes of the young type 6. Last evaluated: 2018-01-13. Review status: criteria provided, single submitter. Criteria: ICSL Variant Classification Criteria 13 December 2019. Collection method: clinical testing. Allele origin: germline.
Comment: This variant was observed in the ICSL laboratory as part of a predisposition screen in an ostensibly healthy population. It had not been previously curated by ICSL or reported in the Human Gene Mutation Database (HGMD: prior to June 1st, 2018), and was therefore a candidate for classification through an automated scoring system. Utilizing variant allele frequency, disease prevalence and penetrance estimates, and inheritance mode, an automated score was calculated to assess if this variant is too frequent to cause the disease. Based on the score and internal cut-off values, a variant classified as benign is not then subjected to further curation. The score for this variant resulted in a classification of benign for this disease.

Breakthrough Genomics
Classification: Benign. Review status: criteria provided, single submitter. Criteria: ACMG Guidelines, 2015. Collection method: not provided. Allele origin: germline. Inheritance: Autosomal dominant inheritance. Affected: yes.

Clinical Genetics, Academic Medical Center
Classification: Likely benign. Review status: no assertion criteria provided. Collection method: clinical testing. Allele origin: germline. Affected: yes. Study: VKGL Data-share Consensus. Not counted in ClinVar's aggregate classification.

Laboratory of Diagnostic Genome Analysis, Leiden University Medical Center (LUMC)
Classification: Likely benign. Review status: no assertion criteria provided. Collection method: clinical testing. Allele origin: germline. Affected: yes. Study: VKGL Data-share Consensus. Not counted in ClinVar's aggregate classification.